The following is an entry in ClinVar:

NM_000465.4(BARD1):c.825A>T (p.Leu275Phe)

Gene: BARD1 (BRCA1 associated RING domain 1; minus strand). Cytogenetic location: 2q35.
Variant type: single nucleotide variant.
Coding change: c.825A>T on transcript NM_000465.4 (MANE Select); coding-DNA position 825, A replaced by T.
Protein change: p.Leu275Phe; replaces leucine 275 with phenylalanine.
Molecular consequence: missense variant. On other transcripts: non-coding transcript variant (2), intron variant (3).
Genome position (GRCh38, 1-based): chr2:214,781,049, T>A on the plus strand (A>T on the coding strand, the complement: BARD1 is on the minus strand). VCF-style: chr2-214781049-T-A. GRCh37 (hg19) VCF-style: chr2-215645773-T-A.
Other names: c.768A>T, p.Leu256Phe (NM_001282543.2); c.158+28363A>T (NM_001282548.2); c.215+16012A>T (NM_001282545.2); c.364+11248A>T (NM_001282549.2); short protein forms L256F, L275F.
Identifiers: ClinVar variation 3479741 (VCV003479741.1).
Genomic context (GRCh38, chr2:214,781,049, plus strand): 5'-ATTCCTGCTCTTAGTGTCTGGAGACTCTATTTGCTCAGCCAATGGTAAAGAGACTTCAGT[T>A]AAACTTCCAAAACATTCAGATTCTGTCAAGGAGCCACTTGCTAGTAAGTCTATTTCACCA-3'
Protein context (NP_000456.2, residues 265-285): SLTESECFGS[Leu275Phe]TEVSLPLAEQ

ClinVar aggregate classification (germline): Uncertain significance (1 of 4 stars; one submission).

Conditions:
Hereditary cancer-predisposing syndrome. Also called: Tumor predisposition; Neoplastic Syndromes, Hereditary; Hereditary neoplastic syndrome; Hereditary Cancer Syndrome. Identifiers: Orphanet 140162, MedGen C0027672, MeSH D009386, MONDO:0015356.

Submission:

Ambry Genetics
Classification: Uncertain significance for Hereditary cancer-predisposing syndrome. Last evaluated: 2024-11-08. Review status: criteria provided, single submitter. Criteria: Ambry Variant Classification Scheme 2023. Collection method: clinical testing. Allele origin: germline.
Comment: The p.L275F variant (also known as c.825A>T), located in coding exon 4 of the BARD1 gene, results from an A to T substitution at nucleotide position 825. The leucine at codon 275 is replaced by phenylalanine, an amino acid with highly similar properties. This amino acid position is conserved. In addition, this alteration is predicted to be tolerated by in silico analysis. Based on the available evidence, the clinical significance of this variant remains unclear.